The following is an entry in ClinVar:

NM_000132.4(F8):c.1241A>G (p.Tyr414Cys)

Gene: F8 (coagulation factor VIII; minus strand). Cytogenetic location: Xq28.
Variant type: single nucleotide variant.
Coding change: c.1241A>G on transcript NM_000132.4 (MANE Select); coding-DNA position 1241, A replaced by G.
Protein change: p.Tyr414Cys; replaces tyrosine 414 with cysteine.
Molecular consequence: missense variant.
Genome position (GRCh38, 1-based): chrX:154,966,456, T>C on the plus strand (A>G on the coding strand, the complement: F8 is on the minus strand). VCF-style: chrX-154966456-T-C. GRCh37 (hg19) VCF-style: chrX-154194731-T-C.
Other names: short protein forms Y414C.
Identifiers: ClinVar variation 3356314 (VCV003356314.1).

ClinVar aggregate classification (germline): Likely pathogenic (0 of 4 stars; one submission).

Conditions:
F8-related disorder. Also called: F8-related condition.

Submission:

PreventionGenetics, part of Exact Sciences
Classification: Likely pathogenic for F8-related condition. Last evaluated: 2024-08-21. Review status: no assertion criteria provided. Collection method: clinical testing. Allele origin: germline.
Comment: The F8 c.1241A>G variant is predicted to result in the amino acid substitution p.Tyr414Cys. This variant, alternatively referred to as p.Tyr395Cys using legacy nomenclature, has been reported in at least five individuals with severe hemophilia A (Table S1, Bogdanova et al. 2005. PubMed ID: 16086318; Table S1, Kang et al. 2020. PubMed ID: 32897612; Supplemental table, Feng et al. 2020. PubMed ID: 33245802), including two individuals from the same family (Table 1, Repesse et al. 2007. PubMed ID: 17445092). An alternate nucleotide change affecting the same amino acid (c.1240T>C, p.Tyr414His (legacy nomenclature p.Tyr395His) has been reported in individuals with hemophilia A (Table 2, Shinozawa et al. 2021. PubMed ID: 33760382; Table S6, Johnsen et al. 2022. PubMed ID: 35770352). This variant has not been reported in a large population database, indicating this variant is rare. This variant is interpreted as likely pathogenic.